The following is an entry in ClinVar:

NM_001003800.2(BICD2):c.484C>T (p.Arg162Cys)

Gene: BICD2 (BICD cargo adaptor 2; minus strand). Cytogenetic location: 9q22.31.
Variant type: single nucleotide variant.
Coding change: c.484C>T on transcript NM_001003800.2 (MANE Select); coding-DNA position 484, C replaced by T.
Protein change: p.Arg162Cys; replaces arginine 162 with cysteine.
Molecular consequence: missense variant.
Genome position (GRCh38, 1-based): chr9:92,722,778, G>A on the plus strand (C>T on the coding strand, the complement: BICD2 is on the minus strand). VCF-style: chr9-92722778-G-A. GRCh37 (hg19) VCF-style: chr9-95485060-G-A.
Other names: c.484C>T, p.Arg162Cys (NM_015250.4); short protein forms R162C.
Identifiers: ClinVar variation 916026 (VCV000916026.10), dbSNP rs766087023, ClinGen allele CA5126795.
Genomic context (GRCh38, chr9:92,722,778, plus strand): 5'-AGTAGTCCTGCAGCAGACGAGCTTCCCGGAATTTGTACTCCTTGATGTCATCCCGCAGGC[G>A]GCCACGCTGGATCTCCACATTCTGGTTGATCTGTTGGGGGAGAGGGAAAGGCAGGTATGA-3'
Protein context (NP_001003800.1, residues 152-172): INQNVEIQRG[Arg162Cys]LRDDIKEYKF

ClinVar aggregate classification (germline): Likely benign. Review status: criteria provided, single submitter (1 of 4 stars). 2 submissions from 2 submitters: Likely benign (1). 1 of the submissions does not count toward it. Last evaluated 2021-10-16.

Conditions:
Autosomal dominant childhood-onset proximal spinal muscular atrophy with contractures (SMALED2A). Also called: SPINAL MUSCULAR ATROPHY, LOWER EXTREMITY-PREDOMINANT, 2A, CHILDHOOD ONSET, AUTOSOMAL DOMINANT; Spinal muscular atrophy, lower extremity-predominant, 2A, autosomal dominant. Identifiers: Orphanet 363447, Orphanet 363454, MedGen C4747715, MONDO:0014121, OMIM 615290.

Allele frequency attached by ClinVar (database versions not stated): TOPMed below 0.00001; gnomAD exomes 0.00005 and 0.00014; gnomAD 0.00010 and 0.00011; ExAC 0.00010.
gnomAD v4.1: 93 of 1,613,766 alleles (0.0058%); highest among the groups gnomAD compares: African/African-American, 0.0027%; no homozygotes.

Submissions (2):

Labcorp Genetics (formerly Invitae), Labcorp
Classification: Likely benign for Autosomal dominant childhood-onset proximal spinal muscular atrophy with contractures. Last evaluated: 2021-10-16. Review status: criteria provided, single submitter. Criteria: Invitae Variant Classification Sherloc (09022015). Collection method: clinical testing. Allele origin: germline.

School of Bio-Medicine, Mongolian National University of Medical Sciences
Classification: Likely pathogenic for Autosomal dominant childhood-onset proximal spinal muscular atrophy with contractures. Last evaluated: 2018-03-01. Review status: no assertion criteria provided. Collection method: clinical testing. Allele origin: germline. Inheritance: Autosomal dominant inheritance. Affected: yes. Observed: 1 heterozygote. Not counted in ClinVar's aggregate classification.